The following is an entry in ClinVar:

ClinVar aggregate classification (germline): Likely benign (0 of 4 stars; one submission).

Conditions:
PLXNB1-related disorder. Also called: PLXNB1-related condition.

Allele frequency attached by ClinVar (database versions not stated): TOPMed 0.00001; gnomAD 0.00002.
gnomAD v4.1: 21 of 1,613,730 alleles (0.0013%); highest among the groups gnomAD compares: Middle Eastern, 0.016%; no homozygotes.

Submission:

PreventionGenetics, part of Exact Sciences
Classification: Likely benign for PLXNB1-related condition. Last evaluated: 2019-09-17. Review status: no assertion criteria provided. Collection method: clinical testing. Allele origin: germline.
Comment: This variant is classified as likely benign based on ACMG/AMP sequence variant interpretation guidelines (Richards et al. 2015 PMID: 25741868, with internal and published modifications).

NM_001130082.3(PLXNB1):c.4434C>T (p.Asp1478=)

Gene: PLXNB1 (plexin B1; minus strand). Cytogenetic location: 3p21.31.
Variant type: single nucleotide variant.
Coding change: c.4434C>T on transcript NM_001130082.3 (MANE Select); coding-DNA position 4434, C replaced by T.
Protein change: p.Asp1478=; no amino-acid change (aspartic acid 1478 retained).
Molecular consequence: synonymous variant.
Genome position (GRCh38, 1-based): chr3:48,413,771, G>A on the plus strand (C>T on the coding strand, the complement: PLXNB1 is on the minus strand). VCF-style: chr3-48413771-G-A. GRCh37 (hg19) VCF-style: chr3-48455180-G-A.
Other names: c.4434C>T, p.Asp1478= (NM_002673.6).
Identifiers: ClinVar variation 3040204 (VCV003040204.2), dbSNP rs984282538, ClinGen allele CA73935285.